The following is an entry in ClinVar:

ClinVar aggregate classification (germline): Uncertain significance (1 of 4 stars; one submission).

Submission:

Labcorp Genetics (formerly Invitae), Labcorp
Classification: Uncertain significance. Last evaluated: 2024-05-05. Review status: criteria provided, single submitter. Criteria: Invitae Variant Classification Sherloc (09022015). Collection method: clinical testing. Allele origin: germline.
Comment: This sequence change replaces glycine, which is neutral and non-polar, with arginine, which is basic and polar, at codon 1234 of the FOCAD protein (p.Gly1234Arg). This variant is not present in population databases (gnomAD no frequency). This variant has not been reported in the literature in individuals affected with FOCAD-related conditions. Experimental studies and prediction algorithms are not available or were not evaluated, and the functional significance of this variant is currently unknown. In summary, the available evidence is currently insufficient to determine the role of this variant in disease. Therefore, it has been classified as a Variant of Uncertain Significance.

NM_001375567.1(FOCAD):c.3700G>C (p.Gly1234Arg)

Gene: FOCAD (focadhesin; plus strand). Cytogenetic location: 9p21.3.
Variant type: single nucleotide variant.
Coding change: c.3700G>C on transcript NM_001375567.1 (MANE Select); coding-DNA position 3700, G replaced by C.
Protein change: p.Gly1234Arg; replaces glycine 1234 with arginine.
Molecular consequence: missense variant.
Genome position (GRCh38, 1-based): chr9:20,948,295, G>C. VCF-style: chr9-20948295-G-C. GRCh37 (hg19) VCF-style: chr9-20948294-G-C.
Other names: c.3595G>C, p.Gly1199Arg (NM_001375570.1, NM_001375568.1); c.3700G>C, p.Gly1234Arg (NM_017794.5); short protein forms G1199R, G1234R.
Identifiers: ClinVar variation 3709075 (VCV003709075.2).